The following is an entry in ClinVar:

ClinVar aggregate classification (germline): Conflicting classifications of pathogenicity. Review status: criteria provided, conflicting classifications (1 of 4 stars). 3 submissions from 3 submitters: Likely pathogenic (2); Uncertain significance (1). Last evaluated 2025-12-01.

Conditions:
Hereditary cancer-predisposing syndrome. Also called: Neoplastic Syndromes, Hereditary; Tumor predisposition; Hereditary Cancer Syndrome; Hereditary neoplastic syndrome. Identifiers: Orphanet 140162, MedGen C0027672, MeSH D009386, MONDO:0015356.
CHEK2-related cancer predisposition (TPDS4). Also called: CHEK2-related cancer susceptibility; TUMOR PREDISPOSITION SYNDROME 4; CANCER PREDISPOSITION SYNDROME, CHEK2-RELATED. Identifiers: Orphanet 524, MedGen C5882668, MONDO:0700271, OMIM 609265.
Familial cancer of breast. Also called: hereditary breast carcinoma; Hereditary breast cancer; BREAST CANCER, FAMILIAL. Identifiers: Orphanet 227535, MedGen C0346153, MONDO:0016419, OMIM 114480. Disease mechanism: loss of function.

Submissions (3):

KCCC/NGS Laboratory, Kuwait Cancer Control Center
Classification: Likely pathogenic for CHEK2-related cancer predisposition. Last evaluated: 2025-12-01. Review status: criteria provided, single submitter. Criteria: ACMG Guidelines, 2015. Collection method: clinical testing. Allele origin: germline. Inheritance: Autosomal dominant inheritance. Affected: yes.
Comment: A likely pathogenic mutation

Ambry Genetics
Classification: Uncertain significance for Hereditary cancer-predisposing syndrome. Last evaluated: 2025-07-04. Review status: criteria provided, single submitter. Criteria: Ambry Variant Classification Scheme 2023. Collection method: clinical testing. Allele origin: germline.
Comment: The c.593-2A>T intronic variant results from an A to T substitution two nucleotides upstream from coding exon 4 in the CHEK2 gene. Alterations that disrupt the canonical splice site are expected to result in aberrant splicing. In silico splice site analysis predicts that this alteration will weaken the native splice acceptor site and will result in the creation or strengthening of a novel splice acceptor site. A resulting transcript is predicted to be in-frame and is not expected to trigger nonsense-mediated mRNAdecay; although, direct evidence is unavailable. This nucleotide position is highly conserved in available vertebrate species. Based on the available evidence, the clinical significance of this variant remains unclear.

Labcorp Genetics (formerly Invitae), Labcorp
Classification: Likely pathogenic for Familial cancer of breast. Last evaluated: 2023-12-31. Review status: criteria provided, single submitter. Criteria: Invitae Variant Classification Sherloc (09022015). Collection method: clinical testing. Allele origin: germline.
Comment: This sequence change affects an acceptor splice site in intron 4 of the CHEK2 gene. It is expected to disrupt RNA splicing. Variants that disrupt the donor or acceptor splice site typically lead to a loss of protein function (PMID: 16199547), and loss-of-function variants in CHEK2 are known to be pathogenic (PMID: 21876083, 24713400). This variant is not present in population databases (gnomAD no frequency). This variant has not been reported in the literature in individuals affected with CHEK2-related conditions. Algorithms developed to predict the effect of sequence changes on RNA splicing suggest that this variant may disrupt the consensus splice site. In summary, the currently available evidence indicates that the variant is pathogenic, but additional data are needed to prove that conclusively. Therefore, this variant has been classified as Likely Pathogenic.

Literature cited by the submitters: PubMed 16199547 (cited by Labcorp Genetics (formerly Invitae), Labcorp); PubMed 21876083 (cited by Labcorp Genetics (formerly Invitae), Labcorp); PubMed 24713400 (cited by Labcorp Genetics (formerly Invitae), Labcorp).

NM_007194.4(CHEK2):c.593-2A>T

Gene: CHEK2 (checkpoint kinase 2; minus strand). Cytogenetic location: 22q12.1.
Variant type: single nucleotide variant.
Coding change: c.593-2A>T on transcript NM_007194.4 (MANE Select); the canonical splice acceptor site of the intron before coding-DNA position 593, A replaced by T.
Molecular consequence: splice acceptor variant. On other transcripts: intron variant (1).
Genome position (GRCh38, 1-based): chr22:28,719,487, T>A on the plus strand (A>T on the coding strand, the complement: CHEK2 is on the minus strand). VCF-style: chr22-28719487-T-A. GRCh37 (hg19) VCF-style: chr22-29115475-T-A.
Other names: c.-71-2A>T (NM_001437942.1, NM_001257387.3); c.482+5399A>T (NM_001349956.3); c.593-2A>T (NM_145862.3, NM_007194.3); c.686-2A>T (NM_001438295.1, NM_001438293.1); c.722-2A>T (NM_001438294.1, NM_001005735.3).
Identifiers: ClinVar variation 2915669 (VCV002915669.5), dbSNP rs2146007633, ClinGen allele CA411105163.